The following is an entry in ClinVar:

NM_000183.3(HADHB):c.181C>T (p.Arg61Cys)

Gene: HADHB (hydroxyacyl-CoA dehydrogenase trifunctional multienzyme complex subunit beta; plus strand). Cytogenetic location: 2p23.3.
Variant type: single nucleotide variant.
Coding change: c.181C>T on transcript NM_000183.3 (MANE Select); coding-DNA position 181, C replaced by T.
Protein change: p.Arg61Cys; replaces arginine 61 with cysteine.
Molecular consequence: missense variant.
Genome position (GRCh38, 1-based): chr2:26,263,451, C>T. VCF-style: chr2-26263451-C-T. GRCh37 (hg19) VCF-style: chr2-26486319-C-T.
Other names: c.181C>T, p.Arg61Cys (NM_001281512.2); c.115C>T, p.Arg39Cys (NM_001281513.2); short protein forms R61C, R39C.
Identifiers: ClinVar variation 449456 (VCV000449456.12), dbSNP rs780351691, ClinGen allele CA1560109.

ClinVar aggregate classification (germline): Pathogenic/Likely pathogenic. Review status: criteria provided, multiple submitters, no conflicts (2 of 4 stars). 5 submissions from 5 submitters: Pathogenic (2); Likely pathogenic (2). 1 of the submissions does not count toward it. Last evaluated 2024-03-26.

Conditions:
Mitochondrial trifunctional protein deficiency 1 (MTPD1). Identifiers: MedGen CN376812, MONDO:0958181, OMIM 609015.
Mitochondrial trifunctional protein deficiency. Identifiers: Orphanet 746, MedGen C1969443, MONDO:0012172.

Allele frequency attached by ClinVar (database versions not stated): ExAC 0.00001; gnomAD 0.00001; gnomAD exomes 0.00002; TOPMed 0.00002.
gnomAD v4.1: 23 of 1,610,854 alleles (0.0014%); highest among the groups gnomAD compares: Admixed American, 0.0033%; no homozygotes.

Submissions (5):

Baylor Genetics
Classification: Likely pathogenic for Mitochondrial trifunctional protein deficiency 1. Last evaluated: 2024-03-26. Review status: criteria provided, single submitter. Criteria: ACMG Guidelines, 2015. Collection method: clinical testing. Allele origin: unknown.

Labcorp Genetics (formerly Invitae), Labcorp
Classification: Pathogenic for Mitochondrial trifunctional protein deficiency. Last evaluated: 2024-03-18. Review status: criteria provided, single submitter. Criteria: Invitae Variant Classification Sherloc (09022015). Collection method: clinical testing. Allele origin: germline.
Comment: This sequence change replaces arginine, which is basic and polar, with cysteine, which is neutral and slightly polar, at codon 61 of the HADHB protein (p.Arg61Cys). This variant is present in population databases (rs780351691, gnomAD 0.006%). This missense change has been observed in individual(s) with mitochondrial trifunctional protein deficiency (PMID: 12754706). This variant is also known as R28C. ClinVar contains an entry for this variant (Variation ID: 449456). Advanced modeling of protein sequence and biophysical properties (such as structural, functional, and spatial information, amino acid conservation, physicochemical variation, residue mobility, and thermodynamic stability) performed at Invitae indicates that this missense variant is expected to disrupt HADHB protein function with a positive predictive value of 80%. This variant disrupts the p.Arg61 amino acid residue in HADHB. Other variant(s) that disrupt this residue have been determined to be pathogenic (PMID: 8651282, 12754706, 16423905). This suggests that this residue is clinically significant, and that variants that disrupt this residue are likely to be disease-causing. For these reasons, this variant has been classified as Pathogenic.

Women's Health and Genetics/Laboratory Corporation of America, LabCorp
Classification: Pathogenic for Mitochondrial trifunctional protein deficiency. Last evaluated: 2023-10-10. Review status: criteria provided, single submitter. Criteria: LabCorp Variant Classification Summary - May 2015. Collection method: clinical testing. Allele origin: germline.
Comment: Variant summary: HADHB c.181C>T (p.Arg61Cys aka. R28C) results in a non-conservative amino acid change located in the Thiolase, N-terminal domain (IPR020616) of the encoded protein sequence. Five of five in-silico tools predict a damaging effect of the variant on protein function. The variant allele was found at a frequency of 1.6e-05 in 251490 control chromosomes (gnomAD). The variant c.181C>T has been reported in the literature in homozygous and compound heterozygous individuals affected with Mitochondrial Trifunctional Protein Deficiency (e.g. Spiekerkoetter_2003, Spiekerkoetter_2004, Schwantje_2022). These data indicate that the variant is likely to be associated with disease. Publication also reported reports experimental evidence evaluating an impact on protein function and demonstrated decreased enzyme activities in patient derived cells (Spiekerkoetter_2003, Spiekerkoetter_2004, Schwantje_2022), and decreased expression and abolished protein interaction with HADHA in an in vitro expression system (Naiki_2014). The following publications have been ascertained in the context of this evaluation (PMID: 24664533, 12754706, 14694500, 35383965). Two submitters have cited clinical-significance assessments for this variant to ClinVar after 2014. One submitter classified the variant as likely pathogenic, while the other submitter classified the variant as uncertain significance. Based on the evidence outlined above, the variant was classified as pathogenic.

GeneDx
Classification: Likely pathogenic. Last evaluated: 2020-06-26. Review status: criteria provided, single submitter. Criteria: GeneDx Variant Classification Process June 2021. Collection method: clinical testing. Allele origin: germline. Affected: yes.
Comment: In silico analysis, which includes protein predictors and evolutionary conservation, supports a deleterious effect; Not observed at a significant frequency in large population cohorts (Lek et al., 2016); This variant is associated with the following publications: (PMID: 28112527, 12754706)

Centre for Mendelian Genomics, University Medical Centre Ljubljana
Classification: Uncertain significance for Mitochondrial trifunctional protein deficiency 1. Last evaluated: 2020-03-07. Review status: flagged submission. Criteria: ACMG Guidelines, 2015. Collection method: clinical testing. Allele origin: unknown. Affected: yes. Not counted in ClinVar's aggregate classification.
Comment: This variant was classified as: Uncertain significance. The following ACMG criteria were applied in classifying this variant: PM2,PP3.
ClinVar note: Reason: Older and outlier claim with insufficient supporting evidence

Literature cited by the submitters: PubMed 12754706 (cited by Labcorp Genetics (formerly Invitae), Labcorp and Women's Health and Genetics/Laboratory Corporation of America, LabCorp); PubMed 8651282 (cited by Labcorp Genetics (formerly Invitae), Labcorp); PubMed 16423905 (cited by Labcorp Genetics (formerly Invitae), Labcorp); PubMed 24664533 (cited by Women's Health and Genetics/Laboratory Corporation of America, LabCorp); PubMed 14694500 (cited by Women's Health and Genetics/Laboratory Corporation of America, LabCorp); PubMed 35383965 (cited by Women's Health and Genetics/Laboratory Corporation of America, LabCorp).